The following is an entry in ClinVar:

NM_198075.4(LRRC56):c.1399C>T (p.Arg467Trp)

Gene: LRRC56 (leucine rich repeat containing 56; plus strand). Cytogenetic location: 11p15.5.
Variant type: single nucleotide variant.
Coding change: c.1399C>T on transcript NM_198075.4 (MANE Select); coding-DNA position 1399, C replaced by T.
Protein change: p.Arg467Trp; replaces arginine 467 with tryptophan.
Molecular consequence: missense variant.
Genome position (GRCh38, 1-based): chr11:554,046, C>T. VCF-style: chr11-554046-C-T. GRCh37 (hg19) VCF-style: chr11-554046-C-T.
Other names: short protein forms R467W.
Identifiers: ClinVar variation 1979740 (VCV001979740.1), dbSNP rs150720801, ClinGen allele CA5780095.

ClinVar aggregate classification (germline): Uncertain significance (1 of 4 stars; one submission).

Allele frequency attached by ClinVar (database versions not stated): TOPMed 0.00005; ESP Exome Variant Server 0.00008; 1000 Genomes Project 30x 0.00031; 1000 Genomes Project 0.00040.
gnomAD v4.1: 19 of 1,611,886 alleles (0.0012%); highest among the groups gnomAD compares: African/African-American, 0.013%; no homozygotes.

Submission:

Labcorp Genetics (formerly Invitae), Labcorp
Classification: Uncertain significance. Last evaluated: 2022-08-05. Review status: criteria provided, single submitter. Criteria: Invitae Variant Classification Sherloc (09022015). Collection method: clinical testing. Allele origin: germline.
Comment: This sequence change replaces arginine, which is basic and polar, with tryptophan, which is neutral and slightly polar, at codon 467 of the LRRC56 protein (p.Arg467Trp). The frequency data for this variant in the population databases is considered unreliable, as metrics indicate poor data quality at this position in the gnomAD database. This variant has not been reported in the literature in individuals affected with LRRC56-related conditions. Algorithms developed to predict the effect of missense changes on protein structure and function output the following: SIFT: "Deleterious"; PolyPhen-2: "Benign"; Align-GVGD: "Class C0". The tryptophan amino acid residue is found in multiple mammalian species, which suggests that this missense change does not adversely affect protein function. In summary, the available evidence is currently insufficient to determine the role of this variant in disease. Therefore, it has been classified as a Variant of Uncertain Significance.